The following is an entry in ClinVar:

NM_014339.7(IL17RA):c.2200A>G (p.Met734Val)

Gene: IL17RA (interleukin 17 receptor A; plus strand). Cytogenetic location: 22q11.1.
Variant type: single nucleotide variant.
Coding change: c.2200A>G on transcript NM_014339.7 (MANE Select); coding-DNA position 2200, A replaced by G.
Protein change: p.Met734Val; replaces methionine 734 with valine.
Molecular consequence: missense variant.
Genome position (GRCh38, 1-based): chr22:17,109,419, A>G. VCF-style: chr22-17109419-A-G. GRCh37 (hg19) VCF-style: chr22-17590309-A-G.
Other names: c.2200A>G (NM_014339.5); c.2098A>G, p.Met700Val (NM_001289905.2); short protein forms M734V, M700V.
Identifiers: ClinVar variation 1047270 (VCV001047270.5), dbSNP rs746817140, ClinGen allele CA10086934.

ClinVar aggregate classification (germline): Conflicting classifications of pathogenicity. Review status: criteria provided, conflicting classifications (1 of 4 stars). 2 submissions from 2 submitters: Uncertain significance (1); Likely benign (1). Last evaluated 2025-06-26.

Conditions:
Immunodeficiency 51 (IMD51). Also called: CANDIDIASIS, FAMILIAL, 5. Identifiers: Orphanet 1334, MedGen C4310803, MONDO:0013500, OMIM 613953.

Allele frequency attached by ClinVar (database versions not stated): gnomAD exomes 0.00001; ExAC 0.00002; TOPMed 0.00003; gnomAD 0.00004.
gnomAD v4.1: 23 of 1,613,120 alleles (0.0014%); highest among the groups gnomAD compares: African/African-American, 0.012%; no homozygotes.

Submissions (2):

Ambry Genetics
Classification: Likely benign. Last evaluated: 2025-06-26. Review status: criteria provided, single submitter. Criteria: Ambry Variant Classification Scheme 2023. Collection method: clinical testing. Allele origin: germline.

Labcorp Genetics (formerly Invitae), Labcorp
Classification: Uncertain significance for Immunodeficiency 51. Last evaluated: 2021-10-02. Review status: criteria provided, single submitter. Criteria: Invitae Variant Classification Sherloc (09022015). Collection method: clinical testing. Allele origin: germline.
Comment: This sequence change replaces methionine with valine at codon 734 of the IL17RA protein (p.Met734Val). The methionine residue is moderately conserved and there is a small physicochemical difference between methionine and valine. This variant is present in population databases (rs746817140, ExAC 0.01%). This variant has not been reported in the literature in individuals affected with IL17RA-related conditions. Algorithms developed to predict the effect of missense changes on protein structure and function output the following: SIFT: "Tolerated"; PolyPhen-2: "Benign"; Align-GVGD: "Class C0". The valine amino acid residue is found in multiple mammalian species, which suggests that this missense change does not adversely affect protein function. In summary, the available evidence is currently insufficient to determine the role of this variant in disease. Therefore, it has been classified as a Variant of Uncertain Significance.